The following is an entry in ClinVar:

NM_021102.4(SPINT2):c.91G>A (p.Glu31Lys)

Gene: SPINT2 (serine peptidase inhibitor, Kunitz type 2; plus strand). Cytogenetic location: 19q13.2.
Variant type: single nucleotide variant.
Coding change: c.91G>A on transcript NM_021102.4 (MANE Select); coding-DNA position 91, G replaced by A.
Protein change: p.Glu31Lys; replaces glutamic acid 31 with lysine.
Molecular consequence: missense variant.
Genome position (GRCh38, 1-based): chr19:38,264,983, G>A. VCF-style: chr19-38264983-G-A. GRCh37 (hg19) VCF-style: chr19-38755623-G-A.
Other names: c.91G>A, p.Glu31Lys (NM_001166103.2); short protein forms E31K.
Identifiers: ClinVar variation 1477081 (VCV001477081.6), dbSNP rs1968360344, ClinGen allele CA405626769.
Genomic context (GRCh38, chr19:38,264,983, plus strand): 5'-CGGGCGTTTCTCGCCCTGCTGGGATCGCTGCTCCTCTCTGGGGTCCTGGCGGCCGACCGA[G>A]AACGCAGCATCCACGGTGAGGGCCGGGCGGGTAGGCTGGAGGCGGGGCGCAGGGGGCAGA-3'
Protein context (NP_066925.1, residues 21-41): LLSGVLAADR[Glu31Lys]RSIHDFCLVS

ClinVar aggregate classification (germline): Uncertain significance (1 of 4 stars; one submission).

Allele frequency attached by ClinVar (database versions not stated): gnomAD 0.00001; TOPMed 0.00003.
gnomAD v4.1: 3 of 1,533,484 alleles (0.0002%); highest among the groups gnomAD compares: Admixed American, 0.002%; no homozygotes.

Submission:

Labcorp Genetics (formerly Invitae), Labcorp
Classification: Uncertain significance. Last evaluated: 2022-08-19. Review status: criteria provided, single submitter. Criteria: Invitae Variant Classification Sherloc (09022015). Collection method: clinical testing. Allele origin: germline.
Comment: In summary, the available evidence is currently insufficient to determine the role of this variant in disease. Therefore, it has been classified as a Variant of Uncertain Significance. Algorithms developed to predict the effect of missense changes on protein structure and function are either unavailable or do not agree on the potential impact of this missense change (SIFT: "Deleterious"; PolyPhen-2: "Benign"; Align-GVGD: "Class C0"). ClinVar contains an entry for this variant (Variation ID: 1477081). This variant has not been reported in the literature in individuals affected with SPINT2-related conditions. This variant is not present in population databases (gnomAD no frequency). This sequence change replaces glutamic acid, which is acidic and polar, with lysine, which is basic and polar, at codon 31 of the SPINT2 protein (p.Glu31Lys).